The following is an entry in ClinVar:

NM_004612.4(TGFBR1):c.409G>A (p.Val137Ile)

Gene: TGFBR1 (transforming growth factor beta receptor 1; plus strand). Cytogenetic location: 9q22.33.
Variant type: single nucleotide variant.
Coding change: c.409G>A on transcript NM_004612.4 (MANE Select); coding-DNA position 409, G replaced by A.
Protein change: p.Val137Ile; replaces valine 137 with isoleucine.
Molecular consequence: missense variant. On other transcripts: intron variant (1).
Genome position (GRCh38, 1-based): chr9:99,132,574, G>A. VCF-style: chr9-99132574-G-A. GRCh37 (hg19) VCF-style: chr9-101894856-G-A.
Other names: p.V137I:GTC>ATC; c.421G>A, p.Val141Ile (NM_001306210.2); c.343+3474G>A (NM_001130916.3); short protein forms V137I, V141I.
Identifiers: ClinVar variation 213866 (VCV000213866.54), dbSNP rs745576967, ClinGen allele CA042027.
Genomic context (GRCh38, chr9:99,132,574, plus strand): 5'-TCATCACCTGGCCTTGGTCCTGTGGAACTGGCAGCTGTCATTGCTGGACCAGTGTGCTTC[G>A]TCTGCATCTCACTCATGTTGATGGTCTATATCTGCCACAACCGCACTGTCATTCACCATC-3'
Protein context (NP_004603.1, residues 127-147): AAVIAGPVCF[Val137Ile]CISLMLMVYI

ClinVar aggregate classification (germline): Uncertain significance. Review status: criteria provided, multiple submitters, no conflicts (2 of 4 stars). 6 submissions from 6 submitters: Uncertain significance (6). Last evaluated 2025-05-18.

Conditions:
Familial thoracic aortic aneurysm and aortic dissection (TAAD). Also called: Thoracic aortic aneurysms and dissections. Identifiers: Orphanet 91387, MedGen C4707243, MONDO:0019625.
Loeys-Dietz syndrome (LDS). Identifiers: Orphanet 60030, MedGen C2697932, MONDO:0018954.

Allele frequency attached by ClinVar (database versions not stated): gnomAD below 0.00001 and 0.00001; TOPMed below 0.00001; gnomAD exomes 0.00001 and 0.00002; ExAC 0.00002.
gnomAD v4.1: 12 of 1,614,016 alleles (0.00074%); highest among the groups gnomAD compares: Middle Eastern, 0.033%; no homozygotes.

Submissions (6):

Ambry Genetics
Classification: Uncertain significance for Familial thoracic aortic aneurysm and aortic dissection. Last evaluated: 2025-05-18. Review status: criteria provided, single submitter. Criteria: Ambry Variant Classification Scheme 2023. Collection method: clinical testing. Allele origin: germline.
Comment: The p.V137I variant (also known as c.409G>A), located in coding exon 3 of the TGFBR1 gene, results from a G to A substitution at nucleotide position 409. The valine at codon 137 is replaced by isoleucine, an amino acid with highly similar properties. This variant co-occurred with an FBN1 variant in a proband reported to have Marfan syndrome whose affected mother also carried the FBN1 variant, but not TGFBR1 p.V137I (Rekondo J et al. Rev Esp Cardiol (Engl Ed), 2016 May;69:520-1). This amino acid position is highly conserved through mammals but not in all available vertebrate species. In addition, this alteration is predicted to be tolerated by in silico analysis. Since supporting evidence is limited at this time, the clinical significance of this alteration remains unclear.

Labcorp Genetics (formerly Invitae), Labcorp
Classification: Uncertain significance for Familial thoracic aortic aneurysm and aortic dissection. Last evaluated: 2025-04-08. Review status: criteria provided, single submitter. Criteria: Invitae Variant Classification Sherloc (09022015). Collection method: clinical testing. Allele origin: germline.
Comment: This sequence change replaces valine, which is neutral and non-polar, with isoleucine, which is neutral and non-polar, at codon 137 of the TGFBR1 protein (p.Val137Ile). This variant is present in population databases (rs745576967, gnomAD 0.006%). This missense change has been observed in individual(s) with clinical features of TGFBR1-related conditions (PMID: 27037046). ClinVar contains an entry for this variant (Variation ID: 213866). Invitae Evidence Modeling of protein sequence and biophysical properties (such as structural, functional, and spatial information, amino acid conservation, physicochemical variation, residue mobility, and thermodynamic stability) indicates that this missense variant is not expected to disrupt TGFBR1 protein function with a negative predictive value of 95%. In summary, the available evidence is currently insufficient to determine the role of this variant in disease. Therefore, it has been classified as a Variant of Uncertain Significance.

All of Us Research Program, National Institutes of Health
Classification: Uncertain significance for Loeys-Dietz syndrome. Last evaluated: 2023-12-18. Review status: criteria provided, single submitter. Criteria: ACMG Guidelines, 2015. Collection method: clinical testing. Allele origin: germline. Inheritance: Autosomal dominant inheritance. Observed: 4 variant alleles, 4 heterozygotes.
Comment: This missense variant replaces valine with isoleucine at codon 137 of the TGFBR1 protein. Computational prediction suggests that this variant may not impact protein structure and function (internally defined REVEL score threshold <= 0.5, PMID: 27666373). To our knowledge, functional studies have not been reported for this variant. This variant has been reported in an individual affected with Marfan syndrome, who also carried a pathogenic splicing variant in the FBN1 gene that could explain the observed phenotype (PMID: 27037046). This variant has been identified in 6/251050 chromosomes in the general population by the Genome Aggregation Database (gnomAD). The available evidence is insufficient to determine the role of this variant in disease conclusively. Therefore, this variant is classified as a Variant of Uncertain Significance.

This study involves interpretation of variants in research participants for the purpose of population health screening. Participant phenotype was not available at the time of variant classification. Additional details can be found in publication PMID: 35346344, PMCID: PMC8962531

Color Diagnostics, LLC DBA Color Health
Classification: Uncertain significance for Familial thoracic aortic aneurysm and aortic dissection. Last evaluated: 2023-11-22. Review status: criteria provided, single submitter. Criteria: ACMG Guidelines, 2015. Collection method: clinical testing. Allele origin: germline.
Comment: This missense variant replaces valine with isoleucine at codon 137 of the TGFBR1 protein. Computational prediction suggests that this variant may have a neutral impact on protein structure and function. To our knowledge, functional studies have not been reported for this variant. This variant has not been reported in individuals affected with TGFBR1-related disorders in the literature. This variant has been identified in 6/251050 chromosomes in the general population by the Genome Aggregation Database (gnomAD). The available evidence is insufficient to determine the role of this variant in disease conclusively. Therefore, this variant is classified as a Variant of Uncertain Significance.

CeGaT Center for Human Genetics Tuebingen
Classification: Uncertain significance. Last evaluated: 2018-05-01. Review status: criteria provided, single submitter. Criteria: CeGaT Center For Human Genetics Tuebingen Variant Classification Criteria Version 2. Collection method: clinical testing. Allele origin: germline. Affected: yes. Observed: 1 variant allele.

GeneDx
Classification: Uncertain significance. Last evaluated: 2016-04-21. Review status: criteria provided, single submitter. Criteria: GeneDx Variant Classification (06012015). Collection method: clinical testing. Allele origin: germline. Affected: yes.
Comment: The V137I variant of unknown significance in the TGFBR1 gene has not been published as a mutation or reported as a benign polymorphism to our knowledge. The V137I variant was not observed in approximately 6500 individuals of European and African American ancestry in the NHLBI Exome Sequencing Project, indicating it is not a common benign variant in these populations. The V137 residue is conserved across mammalian species. However, the V137I variant is a conservative amino acid substitution, which is not likely to impact secondary protein structure as these residues share similar properties. In silico analysis is inconsistent in its predictions as to whether or not the variant is damaging to the protein structure/function. Additionally, definitive missense mutations in nearby residues have not been reported in association with a TGFBR1-related disorder, indicating this region of the protein may be tolerant of change. Therefore, based on the currently available information, it is unclear whether this variant is a pathogenic mutation or a rare benign variant.

Literature cited by the submitters: PubMed 27037046 (cited by 3 submitters).